The following is an entry in ClinVar:

ClinVar aggregate classification (germline): Likely benign. Review status: criteria provided, multiple submitters, no conflicts (2 of 4 stars). 2 submissions from 2 submitters: Likely benign (2). Last evaluated 2025-07-01.

Conditions:
DAB1-related disorder. Also called: DAB1-related condition.

Allele frequency attached by ClinVar (database versions not stated): ESP Exome Variant Server 0.00008; TOPMed 0.00010; gnomAD exomes 0.00013; gnomAD 0.00005 and 0.00006; ExAC 0.00008.
gnomAD v4.1: 75 of 1,612,948 alleles (0.0046%); highest among the groups gnomAD compares: Admixed American, 0.048%; no homozygotes.

Submissions (2):

PreventionGenetics, part of Exact Sciences
Classification: Likely benign for DAB1-related condition. Last evaluated: 2025-07-01. Review status: criteria provided, single submitter. Criteria: ACMG Guidelines, 2015. Collection method: clinical testing. Allele origin: germline.
Comment: This variant is classified as likely benign based on ACMG/AMP sequence variant interpretation guidelines (Richards et al. 2015 PMID: 25741868, with internal and published modifications).

Labcorp Genetics (formerly Invitae), Labcorp
Classification: Likely benign. Last evaluated: 2018-07-02. Review status: criteria provided, single submitter. Criteria: Invitae Variant Classification Sherloc (09022015). Collection method: clinical testing. Allele origin: germline.

NM_001365792.1(DAB1):c.924G>A (p.Pro308=)

Gene: DAB1 (DAB adaptor protein 1; minus strand). Cytogenetic location: 1p32.2.
Variant type: single nucleotide variant.
Coding change: c.924G>A on transcript NM_001365792.1 (MANE Select); coding-DNA position 924, G replaced by A.
Protein change: p.Pro308=; no amino-acid change (proline 308 retained).
Molecular consequence: synonymous variant.
Genome position (GRCh38, 1-based): chr1:57,015,403, C>T on the plus strand (G>A on the coding strand, the complement: DAB1 is on the minus strand). VCF-style: chr1-57015403-C-T. GRCh37 (hg19) VCF-style: chr1-57481076-C-T.
Other names: c.924G>A, p.Pro308= (NM_001353983.2, NM_001353985.2, NM_001365793.1 and 2 more transcripts); c.918G>A, p.Pro306= (NM_001353986.2, NM_001379461.1).
Identifiers: ClinVar variation 754364 (VCV000754364.4), dbSNP rs12404008, ClinGen allele CA876345.